The following is an entry in ClinVar:

ClinVar aggregate classification (germline): Uncertain significance. Review status: criteria provided, multiple submitters, no conflicts (2 of 4 stars). 2 submissions from 2 submitters: Uncertain significance (2). Last evaluated 2025-11-05.

Conditions:
Charcot-Marie-Tooth disease dominant intermediate B (CMTDIB). Also called: CHARCOT-MARIE-TOOTH NEUROPATHY, DOMINANT INTERMEDIATE B; Charcot-Marie-Tooth disease dominant intermediate 1; CMT DI1; Charcot-Marie-Tooth disease dominant intermediate I. Identifiers: Orphanet 100044, Orphanet 228179, MedGen C1847902, MONDO:0011674, OMIM 606482.

gnomAD v4.1: 1 of 1,614,164 alleles (0.000062%); highest among the groups gnomAD compares: Non-Finnish European, 0.000085%; no homozygotes.

Submissions (2):

Labcorp Genetics (formerly Invitae), Labcorp
Classification: Uncertain significance for Charcot-Marie-Tooth disease dominant intermediate B. Last evaluated: 2025-11-05. Review status: criteria provided, single submitter. Criteria: Invitae Variant Classification Sherloc (09022015). Collection method: clinical testing. Allele origin: germline.
Comment: This sequence change replaces valine, which is neutral and non-polar, with alanine, which is neutral and non-polar, at codon 118 of the DNM2 protein (p.Val118Ala). This variant is not present in population databases (gnomAD no frequency). This variant has not been reported in the literature in individuals affected with DNM2-related conditions. ClinVar contains an entry for this variant (Variation ID: 3612888). Invitae Evidence Modeling of protein sequence and biophysical properties (such as structural, functional, and spatial information, amino acid conservation, physicochemical variation, residue mobility, and thermodynamic stability) indicates that this missense variant is not expected to disrupt DNM2 protein function with a negative predictive value of 95%. In summary, the available evidence is currently insufficient to determine the role of this variant in disease. Therefore, it has been classified as a Variant of Uncertain Significance.

Institute of Human Genetics, University of Goettingen
Classification: Uncertain significance for Charcot-Marie-Tooth disease dominant intermediate B. Last evaluated: 2025-02-12. Review status: criteria provided, single submitter. Criteria: ACMG Guidelines, 2015. Collection method: clinical testing. Allele origin: unknown. Inheritance: Autosomal dominant inheritance. Observed: 1 heterozygote.
Comment: The NM_001005361.3(DNM2):​c.353T>C​(p.Val118Ala) variant causes a missense change involving the alteration of a conserved nucleotide. The variant allele was found at a frequency of 0.000000684 in 1,461,876 control chromosomes in the GnomAD database, with no homozygous occurrence. It affects a highly conserved nucleotide, and a moderately conserved amino acid and there is a small physicochemical difference between Val and Ala. In-silico tools are ambigous regarding an outcome for this variant. ACMG criteria used for classification: PM2_SUP, PP2.

NM_001005361.3(DNM2):c.353T>C (p.Val118Ala)

Gene: DNM2 (dynamin 2; plus strand). Cytogenetic location: 19p13.2.
Variant type: single nucleotide variant.
Coding change: c.353T>C on transcript NM_001005361.3 (MANE Select); coding-DNA position 353, T replaced by C.
Protein change: p.Val118Ala; replaces valine 118 with alanine.
Molecular consequence: missense variant.
Genome position (GRCh38, 1-based): chr19:10,772,596, T>C. VCF-style: chr19-10772596-T-C. GRCh37 (hg19) VCF-style: chr19-10883272-T-C.
Other names: c.353T>C, p.Val118Ala (NM_001005360.3, NM_001005362.3, NM_001190716.2 and 1 more transcripts); short protein forms V118A.
Identifiers: ClinVar variation 3612888 (VCV003612888.4).